The following is an entry in ClinVar:

ClinVar aggregate classification (germline): Uncertain significance. Review status: criteria provided, multiple submitters, no conflicts (2 of 4 stars). 2 submissions from 2 submitters: Uncertain significance (2). Last evaluated 2025-08-12.

Allele frequency attached by ClinVar (database versions not stated): gnomAD 0.00001; TOPMed 0.00004.

Submissions (2):

Labcorp Genetics (formerly Invitae), Labcorp
Classification: Uncertain significance. Last evaluated: 2025-08-12. Review status: criteria provided, single submitter. Criteria: Invitae Variant Classification Sherloc (09022015). Collection method: clinical testing. Allele origin: germline.
Comment: This sequence change replaces methionine, which is neutral and non-polar, with valine, which is neutral and non-polar, at codon 1129 of the PIK3C2A protein (p.Met1129Val). This variant is present in population databases (no rsID available, gnomAD 0.007%). This variant has not been reported in the literature in individuals affected with PIK3C2A-related conditions. ClinVar contains an entry for this variant (Variation ID: 2219409). An algorithm developed to predict the effect of missense changes on protein structure and function outputs the following: PolyPhen-2: "Benign". The valine amino acid residue is found in multiple mammalian species, which suggests that this missense change does not adversely affect protein function. In summary, the available evidence is currently insufficient to determine the role of this variant in disease. Therefore, it has been classified as a Variant of Uncertain Significance.

Ambry Genetics
Classification: Uncertain significance. Last evaluated: 2025-05-06. Review status: criteria provided, single submitter. Criteria: Ambry Variant Classification Scheme 2023. Collection method: clinical testing. Allele origin: germline.

NM_002645.4(PIK3C2A):c.3385A>G (p.Met1129Val)

Gene: PIK3C2A (phosphatidylinositol-4-phosphate 3-kinase catalytic subunit type 2 alpha; minus strand). Cytogenetic location: 11p15.1.
Variant type: single nucleotide variant.
Coding change: c.3385A>G on transcript NM_002645.4 (MANE Select); coding-DNA position 3385, A replaced by G.
Protein change: p.Met1129Val; replaces methionine 1129 with valine.
Molecular consequence: missense variant.
Genome position (GRCh38, 1-based): chr11:17,112,603, T>C on the plus strand (A>G on the coding strand, the complement: PIK3C2A is on the minus strand). VCF-style: chr11-17112603-T-C. GRCh37 (hg19) VCF-style: chr11-17134150-T-C.
Other names: c.3385A>G, p.Met1129Val (NM_001321378.2); c.2245A>G, p.Met749Val (NM_001321380.2); c.3217A>G, p.Met1073Val (NM_001386870.1); short protein forms M1129V, M1073V, M749V.
Identifiers: ClinVar variation 2219409 (VCV002219409.4), dbSNP rs1065445, ClinGen allele CA379757532.